The following is an entry in ClinVar:

ClinVar aggregate classification (germline): Uncertain significance (1 of 4 stars; one submission).

Conditions:
Pitt-Hopkins-like syndrome 2 (PTHSL2). Identifiers: Orphanet 221150, Orphanet 600663, MedGen C3280479, MONDO:0013690, OMIM 614325.

Allele frequency attached by ClinVar (database versions not stated): gnomAD exomes below 0.00001; gnomAD 0.00001; TOPMed 0.00001.
gnomAD v4.1: 2 of 1,613,920 alleles (0.00012%); highest among the groups gnomAD compares: Admixed American, 0.0017%; no homozygotes.

Submission:

Labcorp Genetics (formerly Invitae), Labcorp
Classification: Uncertain significance for Pitt-Hopkins-like syndrome 2. Last evaluated: 2025-02-12. Review status: criteria provided, single submitter. Criteria: Invitae Variant Classification Sherloc (09022015). Collection method: clinical testing. Allele origin: germline.
Comment: This sequence change replaces asparagine, which is neutral and polar, with serine, which is neutral and polar, at codon 1349 of the NRXN1 protein (p.Asn1349Ser). This variant is present in population databases (no rsID available, gnomAD 0.003%). This variant has not been reported in the literature in individuals affected with NRXN1-related conditions. ClinVar contains an entry for this variant (Variation ID: 1005449). Invitae Evidence Modeling of protein sequence and biophysical properties (such as structural, functional, and spatial information, amino acid conservation, physicochemical variation, residue mobility, and thermodynamic stability) indicates that this missense variant is not expected to disrupt NRXN1 protein function with a negative predictive value of 80%. In summary, the available evidence is currently insufficient to determine the role of this variant in disease. Therefore, it has been classified as a Variant of Uncertain Significance.

NM_001330078.2(NRXN1):c.3926A>G (p.Asn1309Ser)

Gene: NRXN1 (neurexin 1; minus strand). Cytogenetic location: 2p16.3.
Variant type: single nucleotide variant.
Coding change: c.3926A>G on transcript NM_001330078.2 (MANE Select); coding-DNA position 3926, A replaced by G.
Protein change: p.Asn1309Ser; replaces asparagine 1309 with serine.
Molecular consequence: missense variant.
Genome position (GRCh38, 1-based): chr2:50,053,473, T>C on the plus strand (A>G on the coding strand, the complement: NRXN1 is on the minus strand). VCF-style: chr2-50053473-T-C. GRCh37 (hg19) VCF-style: chr2-50280611-T-C.
Other names: c.821A>G, p.Asn274Ser (NM_001330091.2, NM_001330092.2); c.3923A>G, p.Asn1308Ser (NM_001330093.2); c.3914A>G, p.Asn1305Ser (NM_001330094.2); c.3785A>G, p.Asn1262Ser (NM_001330095.2); c.3725A>G, p.Asn1242Ser (NM_001330096.2, NM_001330087.2); c.731A>G, p.Asn244Ser (NM_001330097.2, NM_138735.5); c.3836A>G, p.Asn1279Ser (NM_004801.6); c.4046A>G, p.Asn1349Ser (NM_001135659.3); and 6 more; short protein forms N1242S, N1252S, N1257S, N1262S, N1279S, N1287S, N1300S, N1301S.
Identifiers: ClinVar variation 1005449 (VCV001005449.8), dbSNP rs1273410976, ClinGen allele CA346819754.